The following is an entry in ClinVar:

NM_001365088.1(SLC12A6):c.316+5A>C

Gene: SLC12A6 (solute carrier family 12 member 6; minus strand). Cytogenetic location: 15q14.
Variant type: single nucleotide variant.
Coding change: c.316+5A>C on transcript NM_001365088.1 (MANE Select); 5 bases into the intron after coding-DNA position 316, A replaced by C.
Molecular consequence: intron variant. On other transcripts: genic downstream transcript variant (1).
Genome position (GRCh38, 1-based): chr15:34,275,340, T>G on the plus strand (A>C on the coding strand, the complement: SLC12A6 is on the minus strand). VCF-style: chr15-34275340-T-G. GRCh37 (hg19) VCF-style: chr15-34567541-T-G.
Other names: c.139+5A>C (NM_001042495.2, NM_001042494.2); c.289+5A>C (NM_001042496.2); c.272-14320A>C (NM_001042497.2); c.316+5A>C (NM_133647.2); c.163+5A>C (NM_005135.2).
Identifiers: ClinVar variation 2168094 (VCV002168094.2), dbSNP rs2509893234, ClinGen allele CA2580089254.

ClinVar aggregate classification (germline): Uncertain significance. Review status: criteria provided, multiple submitters, no conflicts (2 of 4 stars). 2 submissions from 2 submitters: Uncertain significance (2). Last evaluated 2024-11-04.

Submissions (2):

Women's Health and Genetics/Laboratory Corporation of America, LabCorp
Classification: Uncertain significance. Last evaluated: 2024-11-04. Review status: criteria provided, single submitter. Criteria: LabCorp Variant Classification Summary - May 2015. Collection method: clinical testing. Allele origin: germline.

Labcorp Genetics (formerly Invitae), Labcorp
Classification: Uncertain significance. Last evaluated: 2022-08-13. Review status: criteria provided, single submitter. Criteria: Invitae Variant Classification Sherloc (09022015). Collection method: clinical testing. Allele origin: germline.
Comment: This sequence change falls in intron 2 of the SLC12A6 gene. It does not directly change the encoded amino acid sequence of the SLC12A6 protein. It affects a nucleotide within the consensus splice site. This variant is not present in population databases (gnomAD no frequency). This variant has not been reported in the literature in individuals affected with SLC12A6-related conditions. Variants that disrupt the consensus splice site are a relatively common cause of aberrant splicing (PMID: 17576681, 9536098). Algorithms developed to predict the effect of sequence changes on RNA splicing suggest that this variant is not likely to affect RNA splicing. In summary, the available evidence is currently insufficient to determine the role of this variant in disease. Therefore, it has been classified as a Variant of Uncertain Significance.

Literature cited by the submitters: PubMed 17576681 (cited by Labcorp Genetics (formerly Invitae), Labcorp); PubMed 9536098 (cited by Labcorp Genetics (formerly Invitae), Labcorp).